The following is an entry in ClinVar:

ClinVar aggregate classification (germline): Uncertain significance. Review status: criteria provided, multiple submitters, no conflicts (2 of 4 stars). 2 submissions from 2 submitters: Uncertain significance (2). Last evaluated 2023-11-02.

Conditions:
Familial thoracic aortic aneurysm and aortic dissection (TAAD). Also called: Thoracic aortic aneurysms and dissections. Identifiers: Orphanet 91387, MedGen C4707243, MONDO:0019625.

Allele frequency attached by ClinVar (database versions not stated): TOPMed below 0.00001; gnomAD 0.00001.

Submissions (2):

GeneDx
Classification: Uncertain significance. Last evaluated: 2023-11-02. Review status: criteria provided, single submitter. Criteria: GeneDx Variant Classification Process June 2021. Collection method: clinical testing. Allele origin: germline. Affected: yes.
Comment: Has not been previously published as pathogenic or benign to our knowledge; Not observed at significant frequency in large population cohorts (gnomAD); In silico analysis supports that this missense variant does not alter protein structure/function

CHEO Genetics Diagnostic Laboratory, Children's Hospital of Eastern Ontario
Classification: Uncertain significance for Familial thoracic aortic aneurysm and aortic dissection. Last evaluated: 2018-01-05. Review status: criteria provided, single submitter. Criteria: ACMG Guidelines, 2015. Collection method: clinical testing. Allele origin: germline.

NM_004612.4(TGFBR1):c.65C>T (p.Ala22Val)

Gene: TGFBR1 (transforming growth factor beta receptor 1; plus strand). Cytogenetic location: 9q22.33.
Variant type: single nucleotide variant.
Coding change: c.65C>T on transcript NM_004612.4 (MANE Select); coding-DNA position 65, C replaced by T.
Protein change: p.Ala22Val; replaces alanine 22 with valine.
Molecular consequence: missense variant.
Genome position (GRCh38, 1-based): chr9:99,105,270, C>T. VCF-style: chr9-99105270-C-T. GRCh37 (hg19) VCF-style: chr9-101867552-C-T.
Other names: c.65C>T, p.Ala22Val (NM_001130916.3, NM_001306210.2); short protein forms A22V.
Identifiers: ClinVar variation 915666 (VCV000915666.3), dbSNP rs1260360529, ClinGen allele CA374223784.
Genomic context (GRCh38, chr9:99,105,270, plus strand): 5'-AGGCGGCGGTCGCTGCTCCGCGTCCCCGGCTGCTCCTCCTCGTGCTGGCGGCGGCGGCGG[C>T]GGCGGCGGCGGCGCTGCTCCCGGGGGCGACGGGTGAGCGGCGGCGCGGCGGGCGGGCGAC-3'
Protein context (NP_004603.1, residues 12-32): LLLLVLAAAA[Ala22Val]AAAALLPGAT